The following is an entry in ClinVar:

ClinVar aggregate classification (germline): Likely pathogenic (1 of 4 stars; one submission).

Conditions:
Progressive sclerosing poliodystrophy (MTDPS4A). Also called: Alpers-Huttenlocher Syndrome (AHS); Alpers Syndrome; ALPERS PROGRESSIVE INFANTILE POLIODYSTROPHY; Mitochondrial DNA depletion syndrome 4A (Alpers type); ALPERS DIFFUSE DEGENERATION OF CEREBRAL GRAY MATTER WITH HEPATIC CIRRHOSIS; Alpers-Huttenlocher Syndrome. Identifiers: Orphanet 726, MedGen C0205710, MONDO:0008758, OMIM 203700.

Submission:

Wong Mito Lab, Molecular and Human Genetics, Baylor College of Medicine
Classification: Likely pathogenic for Progressive sclerosing poliodystrophy. Last evaluated: 2018-10-01. Review status: criteria provided, single submitter. Criteria: ACMG Guidelines, 2015. Collection method: clinical testing. Allele origin: germline.
Comment: The NM_002693.2:c.3562T>C (NP_002684.1:p.Cys1188Arg) [GRCH38: NC_000015.10:g.89317457A>G] variant in POLG gene is interpretated to be a Likely Pathogenic based on ACMG guidelines (PMID: 25741868). This variant meets the following evidence codes reported in the ACMG-guideline. PM2:This variant is absent in key population databases. PM3:Detected in trans with a pathogenic variant for Mitochondrial DNA depletion syndrome 4A (Alpers type) which is a recessive disorder. PP2:This is a missense variant in POLG with a low rate of benign and high rate of pathogenic missense variations. PP3:Computational evidence/predictors indicate the variant has deleterious effect on POLG structure, function, or protein-protein interaction. PP4:Patient's phenotype or family history is highly specific for POLG. Based on the evidence criteria codes applied, the variant is suggested to be Likely Pathogenic.

NM_002693.3(POLG):c.3562T>C (p.Cys1188Arg)

Gene: POLG (DNA polymerase gamma, catalytic subunit; minus strand). Cytogenetic location: 15q26.1.
Variant type: single nucleotide variant.
Coding change: c.3562T>C on transcript NM_002693.3 (MANE Select); coding-DNA position 3562, T replaced by C.
Protein change: p.Cys1188Arg; replaces cysteine 1188 with arginine.
Molecular consequence: missense variant.
Genome position (GRCh38, 1-based): chr15:89,317,457, A>G on the plus strand (T>C on the coding strand, the complement: POLG is on the minus strand). VCF-style: chr15-89317457-A-G. GRCh37 (hg19) VCF-style: chr15-89860688-A-G.
Other names: c.3562T>C, p.Cys1188Arg (NM_001126131.2); short protein forms C1188R.
Identifiers: ClinVar variation 619339 (VCV000619339.1), dbSNP rs754844175, ClinGen allele CA10602280.
Genomic context (GRCh38, chr15:89,317,457, plus strand): 5'-TTTCCATCCCAGTTGGGTTGGAAGGGGTTTTACAATCCATGGTCACTTCCTTCCTGAGGC[A>G]CCGGTCAATATCGACTGCACTGAAAAAGGCGACTGACTGGGGCAAGTCATTCAGACCCAG-3'
Protein context (NP_002684.1, residues 1178-1198): AFFSAVDIDR[Cys1188Arg]LRKEVTMDCK